The following is an entry in ClinVar:

NM_178857.6(RP1L1):c.743A>G (p.Asn248Ser)

Gene: RP1L1 (RP1 like 1). Cytogenetic location: 8p23.1.
Variant type: single nucleotide variant.
Coding change: c.743A>G on transcript NM_178857.6 (MANE Select); coding-DNA position 743, A replaced by G.
Protein change: p.Asn248Ser; replaces asparagine 248 with serine.
Molecular consequence: missense variant.
Genome position (GRCh38, 1-based): chr8:10,616,454, T>C on the plus strand (A>G on the coding strand, the complement: RP1L1 is on the minus strand). VCF-style: chr8-10616454-T-C. GRCh37 (hg19) VCF-style: chr8-10473964-T-C.
Other names: short protein forms N248S.
Identifiers: ClinVar variation 4704661 (VCV004704661.1).

ClinVar aggregate classification (germline): Uncertain significance (1 of 4 stars; one submission).

Submission:

Labcorp Genetics (formerly Invitae), Labcorp
Classification: Uncertain significance. Last evaluated: 2025-03-01. Review status: criteria provided, single submitter. Criteria: Invitae Variant Classification Sherloc (09022015). Collection method: clinical testing. Allele origin: germline.
Comment: This sequence change replaces asparagine, which is neutral and polar, with serine, which is neutral and polar, at codon 248 of the RP1L1 protein (p.Asn248Ser). This variant is not present in population databases (gnomAD no frequency). This variant has not been reported in the literature in individuals affected with RP1L1-related conditions. Invitae Evidence Modeling of protein sequence and biophysical properties (such as structural, functional, and spatial information, amino acid conservation, physicochemical variation, residue mobility, and thermodynamic stability) indicates that this missense variant is not expected to disrupt RP1L1 protein function with a negative predictive value of 80%. In summary, the available evidence is currently insufficient to determine the role of this variant in disease. Therefore, it has been classified as a Variant of Uncertain Significance.